The following is an entry in ClinVar:

NM_152268.4(PARS2):c.150C>A (p.Asn50Lys)

Gene: PARS2 (prolyl-tRNA synthetase 2, mitochondrial; minus strand). Cytogenetic location: 1p32.3.
Variant type: single nucleotide variant.
Coding change: c.150C>A on transcript NM_152268.4 (MANE Select); coding-DNA position 150, C replaced by A.
Protein change: p.Asn50Lys; replaces asparagine 50 with lysine.
Molecular consequence: missense variant.
Genome position (GRCh38, 1-based): chr1:54,759,012, G>T on the plus strand (C>A on the coding strand, the complement: PARS2 is on the minus strand). VCF-style: chr1-54759012-G-T. GRCh37 (hg19) VCF-style: chr1-55224685-G-T.
Other names: c.150C>A (NM_152268.3); short protein forms N50K.
Identifiers: ClinVar variation 1501238 (VCV001501238.5), dbSNP rs756197119, ClinGen allele CA869542.

ClinVar aggregate classification (germline): Uncertain significance. Review status: criteria provided, multiple submitters, no conflicts (2 of 4 stars). 3 submissions from 3 submitters: Uncertain significance (3). Last evaluated 2026-01-14.

Conditions:
Inborn genetic diseases. Identifiers: MedGen C0950123, MeSH D030342.

Allele frequency attached by ClinVar (database versions not stated): ExAC 0.00003; gnomAD exomes 0.00003.
gnomAD v4.1: 28 of 1,614,102 alleles (0.0017%); highest among the groups gnomAD compares: Admixed American, 0.0017%; no homozygotes.

Submissions (3):

Women's Health and Genetics/Laboratory Corporation of America, LabCorp
Classification: Uncertain significance. Last evaluated: 2026-01-14. Review status: criteria provided, single submitter. Criteria: LabCorp Variant Classification Summary - May 2015. Collection method: clinical testing. Allele origin: germline.
Comment: Variant summary: PARS2 c.150C>A (p.Asn50Lys) results in a non-conservative amino acid change in the encoded protein sequence. Algorithms developed to predict the effect of missense changes on protein structure and function are either unavailable or do not agree on the potential impact of this missense change. The variant allele was found at a frequency of 3.2e-05 in 251188 control chromosomes. The available data on variant occurrences in the general population are insufficient to allow any conclusion about variant significance. To our knowledge, no occurrence of c.150C>A in individuals affected with PARS2-related conditions and no experimental evidence demonstrating its impact on protein function have been reported. ClinVar contains an entry for this variant (Variation ID: 1501238). Based on the evidence outlined above, the variant was classified as uncertain significance.

Ambry Genetics
Classification: Uncertain significance for Inborn genetic diseases. Last evaluated: 2023-10-13. Review status: criteria provided, single submitter. Criteria: Ambry Variant Classification Scheme 2023. Collection method: clinical testing. Allele origin: germline.

Labcorp Genetics (formerly Invitae), Labcorp
Classification: Uncertain significance. Last evaluated: 2021-09-02. Review status: criteria provided, single submitter. Criteria: Invitae Variant Classification Sherloc (09022015). Collection method: clinical testing. Allele origin: germline.